The following is an entry in ClinVar:

NM_004415.4(DSP):c.726+4C>T

Gene: DSP (desmoplakin; plus strand). Cytogenetic location: 6p24.3.
Variant type: single nucleotide variant.
Coding change: c.726+4C>T on transcript NM_004415.4 (MANE Select); 4 bases into the intron after coding-DNA position 726, C replaced by T.
Molecular consequence: intron variant.
Genome position (GRCh38, 1-based): chr6:7,562,784, C>T. VCF-style: chr6-7562784-C-T. GRCh37 (hg19) VCF-style: chr6-7563017-C-T.
Other names: c.726+4C>T (NM_001319034.2, NM_001008844.3, NM_001406591.1).
Identifiers: ClinVar variation 3071001 (VCV003071001.1), dbSNP rs774450044, ClinGen allele CA049452.

ClinVar aggregate classification (germline): Uncertain significance (1 of 4 stars; one submission).

Conditions:
Arrhythmogenic cardiomyopathy with wooly hair and keratoderma. Also called: PALMOPLANTAR KERATODERMA WITH LEFT VENTRICULAR CARDIOMYOPATHY AND WOOLLY HAIR; Carvajal syndrome; Dilated cardiomyopathy with woolly hair and keratoderma; Arrhythmogenic cardiomyopathy with woolly hair and keratoderma. Identifiers: Orphanet 65282, MedGen C1854063, MONDO:0011581, OMIM 605676.

Allele frequency attached by ClinVar (database versions not stated): gnomAD exomes below 0.00001.
gnomAD v4.1: 4 of 1,613,934 alleles (0.00025%); highest among the groups gnomAD compares: Middle Eastern, 0.016%; no homozygotes.

Submission:

All of Us Research Program, National Institutes of Health
Classification: Uncertain significance for Arrhythmogenic cardiomyopathy with wooly hair and keratoderma. Last evaluated: 2023-08-23. Review status: criteria provided, single submitter. Criteria: ACMG Guidelines, 2015. Collection method: clinical testing. Allele origin: germline. Inheritance: Autosomal dominant inheritance. Observed: 2 variant alleles, 2 heterozygotes.
Comment: This variant causes a C to T nucleotide substitution at the +4 position of intron 5 of the DSP gene. To our knowledge, functional studies have not been reported for this variant. This variant has not been reported in individuals affected with DSP-related disorders in the literature. This variant has been identified in 1/251330 chromosomes in the general population by the Genome Aggregation Database (gnomAD). The available evidence is insufficient to determine the role of this variant in disease conclusively. Therefore, this variant is classified as a Variant of Uncertain Significance.

This study involves interpretation of variants in research participants for the purpose of population health screening. Participant phenotype was not available at the time of variant classification. Additional details can be found in publication PMID: 35346344, PMCID: PMC8962531